The following is an entry in ClinVar:

ClinVar aggregate classification (germline): Uncertain significance (0 of 4 stars; one submission).

Submission:

Greenwood Genetic Center Diagnostic Laboratories, Greenwood Genetic Center
Classification: Uncertain significance. Last evaluated: 2021-06-18. Review status: no assertion criteria provided. Collection method: clinical testing. Allele origin: germline. Affected: yes.
Comment: Gene of uncertain significance

NM_004229.4(MED14):c.1123G>T (p.Asp375Tyr)

Gene: MED14 (mediator complex subunit 14; minus strand). Cytogenetic location: Xp11.4.
Variant type: single nucleotide variant.
Coding change: c.1123G>T on transcript NM_004229.4 (MANE Select); coding-DNA position 1123, G replaced by T.
Protein change: p.Asp375Tyr; replaces aspartic acid 375 with tyrosine.
Molecular consequence: missense variant.
Genome position (GRCh38, 1-based): chrX:40,710,029, C>A on the plus strand (G>T on the coding strand, the complement: MED14 is on the minus strand). VCF-style: chrX-40710029-C-A. GRCh37 (hg19) VCF-style: chrX-40569281-C-A.
Other names: short protein forms D375Y.
Identifiers: ClinVar variation 1334486 (VCV001334486.4), dbSNP rs1379065821, ClinGen allele CA412985366.
Genomic context (GRCh38, chrX:40,710,029, plus strand): 5'-GATCTTTTACCTTCATGGCTCTTTCTACTAATTTGGAATCAGAAGCTGGCAAAGGAGGAT[C>A]GTGAAAAATCTGTAAAGGCTTGGAGACATCATTCTCATCAATTTTAATTGTAACTTTGTG-3'
Protein context (NP_004220.2, residues 365-385): DVSKPLQIFH[Asp375Tyr]PPLPASDSKL